The following is an entry in ClinVar:

ClinVar aggregate classification (germline): Uncertain significance. Review status: criteria provided, multiple submitters, no conflicts (2 of 4 stars). 2 submissions from 2 submitters: Uncertain significance (2). Last evaluated 2026-05-27.

Conditions:
Sessile serrated polyposis cancer syndrome (SSPCS). Identifiers: Orphanet 157798, MedGen C4310714, MONDO:0014919, OMIM 617108.

Allele frequency attached by ClinVar (database versions not stated): TOPMed 0.00001.

Submissions (2):

Ambry Genetics
Classification: Uncertain significance. Last evaluated: 2026-05-27. Review status: criteria provided, single submitter. Criteria: Ambry Variant Classification Scheme 2023. Collection method: clinical testing. Allele origin: germline.
Comment: The p.T158A variant (also known as c.472A>G), located in coding exon 4 of the RNF43 gene, results from an A to G substitution at nucleotide position 472. The threonine at codon 158 is replaced by alanine, an amino acid with similar properties. This amino acid position is conserved. In addition, this alteration is predicted to be tolerated by in silico analysis. Based on the available evidence, the clinical significance of this variant remains unclear.

Baylor Genetics
Classification: Uncertain significance for Sessile serrated polyposis cancer syndrome. Last evaluated: 2023-05-05. Review status: criteria provided, single submitter. Criteria: ACMG Guidelines, 2015. Collection method: clinical testing. Allele origin: unknown.

NM_017763.6(RNF43):c.472A>G (p.Thr158Ala)

Gene: RNF43 (ring finger protein 43; minus strand). Cytogenetic location: 17q22.
Variant type: single nucleotide variant.
Coding change: c.472A>G on transcript NM_017763.6 (MANE Select); coding-DNA position 472, A replaced by G.
Protein change: p.Thr158Ala; replaces threonine 158 with alanine.
Molecular consequence: missense variant.
Genome position (GRCh38, 1-based): chr17:58,363,385, T>C on the plus strand (A>G on the coding strand, the complement: RNF43 is on the minus strand). VCF-style: chr17-58363385-T-C. GRCh37 (hg19) VCF-style: chr17-56440746-T-C.
Other names: c.472A>G, p.Thr158Ala (NM_001305544.3); c.91A>G, p.Thr31Ala (NM_001305545.2); c.472A>G (NM_017763.4); short protein forms T158A, T31A.
Identifiers: ClinVar variation 2678429 (VCV002678429.2), dbSNP rs1368636513, ClinGen allele CA400338623.